The following is an entry in ClinVar:

ClinVar aggregate classification (germline): Conflicting classifications of pathogenicity. Review status: criteria provided, conflicting classifications (1 of 4 stars). 5 submissions from 5 submitters: Uncertain significance (2); Likely benign (3). Last evaluated 2025-09-01.

Conditions:
CDH3-related disorder. Also called: CDH3-related condition.
EEM syndrome (EEMS). Identifiers: Orphanet 1897, MedGen C1857041, MONDO:0009155, OMIM 225280.

Allele frequency attached by ClinVar (database versions not stated): 1000 Genomes Project 30x 0.00031; TOPMed 0.00037; ESP Exome Variant Server 0.00038; 1000 Genomes Project 0.00040; ExAC 0.00057; gnomAD exomes 0.00062 and 0.00064; gnomAD 0.00076 and 0.00079.
gnomAD v4.1: 1,002 of 1,614,224 alleles (0.062%); highest among the groups gnomAD compares: Non-Finnish European, 0.063%; 3 homozygotes.

Submissions (5):

Labcorp Genetics (formerly Invitae), Labcorp
Classification: Likely benign. Last evaluated: 2025-09-01. Review status: criteria provided, single submitter. Criteria: Invitae Variant Classification Sherloc (09022015). Collection method: clinical testing. Allele origin: germline.

PreventionGenetics, part of Exact Sciences
Classification: Likely benign for CDH3-related condition. Last evaluated: 2025-01-28. Review status: criteria provided, single submitter. Criteria: ACMG Guidelines, 2015. Collection method: clinical testing. Allele origin: germline.
Comment: This variant is classified as likely benign based on ACMG/AMP sequence variant interpretation guidelines (Richards et al. 2015 PMID: 25741868, with internal and published modifications).

Blueprint Genetics
Classification: Likely benign. Last evaluated: 2024-08-29. Review status: criteria provided, single submitter. Criteria: ACMG Guidelines, 2015. Collection method: clinical testing. Allele origin: germline.

Illumina Laboratory Services, Illumina
Classification: Uncertain significance for EEM syndrome. Last evaluated: 2018-01-13. Review status: criteria provided, single submitter. Criteria: ICSL Variant Classification Criteria 13 December 2019. Collection method: clinical testing. Allele origin: germline.

CeGaT Center for Human Genetics Tuebingen
Classification: Uncertain significance. Last evaluated: 2017-03-01. Review status: criteria provided, single submitter. Criteria: CeGaT Center For Human Genetics Tuebingen Variant Classification Criteria Version 2. Collection method: clinical testing. Allele origin: germline. Affected: yes. Observed: 1 variant allele.

NM_001793.6(CDH3):c.2356G>A (p.Gly786Ser)

Gene: CDH3 (cadherin 3; plus strand). Cytogenetic location: 16q22.1.
Variant type: single nucleotide variant.
Coding change: c.2356G>A on transcript NM_001793.6 (MANE Select); coding-DNA position 2356, G replaced by A.
Protein change: p.Gly786Ser; replaces glycine 786 with serine.
Molecular consequence: missense variant. On other transcripts: 3 prime UTR variant (1).
Genome position (GRCh38, 1-based): chr16:68,698,266, G>A. VCF-style: chr16-68698266-G-A. GRCh37 (hg19) VCF-style: chr16-68732169-G-A.
Other names: c.*99G>A (NM_001317195.3); c.2191G>A, p.Gly731Ser (NM_001317196.2); c.2356G>A (NM_001793.5); short protein forms G786S, G731S.
Identifiers: ClinVar variation 444373 (VCV000444373.57), dbSNP rs34813787, ClinGen allele CA8129709.